The following is an entry in ClinVar:

NM_001042492.3(NF1):c.3132C>G (p.Tyr1044Ter)

Gene: NF1 (neurofibromin 1; plus strand). Cytogenetic location: 17q11.2.
Variant type: single nucleotide variant.
Coding change: c.3132C>G on transcript NM_001042492.3 (MANE Select); coding-DNA position 3132, C replaced by G.
Protein change: p.Tyr1044Ter; replaces tyrosine 1044 with a stop codon.
Molecular consequence: nonsense.
Genome position (GRCh38, 1-based): chr17:31,230,860, C>G. VCF-style: chr17-31230860-C-G. GRCh37 (hg19) VCF-style: chr17-29557878-C-G.
Other names: c.3132C>G, p.Tyr1044Ter (NM_000267.4); short protein forms Y1044*.
Identifiers: ClinVar variation 4710819 (VCV004710819.2).
Genomic context (GRCh38, chr17:31,230,860, plus strand): 5'-AAAACATTGTTTGCTGTTTCTCTTTTCTCCACCATTCTATAGGAATAAGATGGTAGAATA[C>G]CTGACAGACTGGGTTATGGGAACATCAAACCAAGCAGCAGATGATGATGTAAAATGTCTT-3'

ClinVar aggregate classification (germline): Pathogenic. Review status: criteria provided, multiple submitters, no conflicts (2 of 4 stars). 2 submissions from 2 submitters: Pathogenic (2). Last evaluated 2026-01-10.

Conditions:
Neurofibromatosis, type 1 (NF1). Also called: VON RECKLINGHAUSEN DISEASE; NEUROFIBROMATOSIS, TYPE I, SOMATIC; Peripheral type neurofibromatosis; Neurofibromatosis, type I. Identifiers: Orphanet 636, MedGen C0027831, MONDO:0018975, OMIM 162200. Disease mechanism: loss of function.
NF1-related disorder. Also called: NF1-related condition. Identifiers: MedGen CN379171.

Submissions (2):

Labcorp Genetics (formerly Invitae), Labcorp
Classification: Pathogenic for Neurofibromatosis, type 1. Last evaluated: 2026-01-10. Review status: criteria provided, single submitter. Criteria: Invitae Variant Classification Sherloc (09022015). Collection method: clinical testing. Allele origin: germline.
Comment: This sequence change creates a premature translational stop signal (p.Tyr1044*) in the NF1 gene. It is expected to result in an absent or disrupted protein product. Loss-of-function variants in NF1 are known to be pathogenic (PMID: 10712197, 23913538). This variant is not present in population databases (gnomAD no frequency). This premature translational stop signal has been observed in individual(s) with clinical features of neurofibromatosis type 1 (PMID: 39001468). Algorithms developed to predict the effect of sequence changes on RNA splicing suggest that this variant may disrupt the consensus splice site. For these reasons, this variant has been classified as Pathogenic.

Blueprint Genetics
Classification: Pathogenic for NF1-related disorders. Last evaluated: 2021-02-09. Review status: criteria provided, single submitter. Criteria: ACMG Guidelines, 2015. Collection method: clinical testing. Allele origin: germline. Affected: yes. Observed: 1 variant allele.

Literature cited by the submitters: PubMed 10712197 (cited by Labcorp Genetics (formerly Invitae), Labcorp); PubMed 23913538 (cited by Labcorp Genetics (formerly Invitae), Labcorp); PubMed 39001468 (cited by Labcorp Genetics (formerly Invitae), Labcorp).